The following is an entry in ClinVar:

NM_001018115.3(FANCD2):c.3991T>C (p.Phe1331Leu)

Genes: FANCD2 (FA complementation group D2; plus strand), FANCD2OS (FANCD2 opposite strand; minus strand). Cytogenetic location: 3p25.3.
Variant type: single nucleotide variant.
Coding change: c.3991T>C on transcript NM_001018115.3 (MANE Select); coding-DNA position 3991, T replaced by C.
Protein change: p.Phe1331Leu; replaces phenylalanine 1331 with leucine.
Molecular consequence: missense variant. On other transcripts: intron variant (1).
Genome position (GRCh38, 1-based): chr3:10,095,227, T>C. VCF-style: chr3-10095227-T-C. GRCh37 (hg19) VCF-style: chr3-10136911-T-C.
Other names: c.3991T>C, p.Phe1331Leu (NM_001319984.2, NM_033084.6); c.3880T>C, p.Phe1294Leu (NM_001374253.1); c.3952T>C, p.Phe1318Leu (NM_001374254.1); c.*43+8971A>G (NM_173472.2); short protein forms F1294L, F1318L, F1331L.
Identifiers: ClinVar variation 3067631 (VCV003067631.20), dbSNP rs2470081043, ClinGen allele CA351757159.

ClinVar aggregate classification (germline): Uncertain significance (1 of 4 stars; one submission).

Submission:

CeGaT Center for Human Genetics Tuebingen
Classification: Uncertain significance. Last evaluated: 2024-03-01. Review status: criteria provided, single submitter. Criteria: CeGaT Center For Human Genetics Tuebingen Variant Classification Criteria Version 2. Collection method: clinical testing. Allele origin: germline. Affected: yes. Observed: 1 variant allele.
Comment: FANCD2: PM2